The following is an entry in ClinVar:

ClinVar aggregate classification (germline): Uncertain significance (1 of 4 stars; one submission).

Conditions:
Hearing impairment. Also called: Impaired Hearing. Identifiers: MedGen C1384666, MONDO:0005365, HP:0000365.

Allele frequency attached by ClinVar (database versions not stated): gnomAD exomes below 0.00001 and 0.00001; ExAC 0.00001.
gnomAD v4.1: 6 of 1,613,480 alleles (0.00037%); highest among the groups gnomAD compares: Middle Eastern, 0.017%; no homozygotes.

Submission:

Department of Otolaryngology – Head & Neck Surgery, Cochlear Implant Center
Classification: Uncertain significance for Hearing impairment. Last evaluated: 2021-04-12. Review status: criteria provided, single submitter. Criteria: ClinGen HL ACMG Specifications v1. Collection method: clinical testing. Allele origin: germline. Affected: yes.
Comment: PM2_Moderate, BP4_Supporting

NM_001042517.2(DIAPH3):c.2857A>T (p.Met953Leu)

Gene: DIAPH3 (diaphanous related formin 3; minus strand). Cytogenetic location: 13q21.2.
Variant type: single nucleotide variant.
Coding change: c.2857A>T on transcript NM_001042517.2 (MANE Select); coding-DNA position 2857, A replaced by T.
Protein change: p.Met953Leu; replaces methionine 953 with leucine.
Molecular consequence: missense variant.
Genome position (GRCh38, 1-based): chr13:59,839,329, T>A on the plus strand (A>T on the coding strand, the complement: DIAPH3 is on the minus strand). VCF-style: chr13-59839329-T-A. GRCh37 (hg19) VCF-style: chr13-60413463-T-A.
Other names: c.2824A>T, p.Met942Leu (NM_001258366.2); c.2719A>T, p.Met907Leu (NM_001258367.2); c.2647A>T, p.Met883Leu (NM_001258368.2); c.2857A>T, p.Met953Leu (NM_001258369.2); c.2068A>T, p.Met690Leu (NM_030932.4); short protein forms M690L, M883L, M907L, M942L, M953L.
Identifiers: ClinVar variation 1065008 (VCV001065008.3), dbSNP rs776107505, ClinGen allele CA6996269.